The following is an entry in ClinVar:

ClinVar aggregate classification (germline): Uncertain significance (1 of 4 stars; one submission).

Conditions:
Nephronophthisis. Also called: Juvenile Nephronophthisis. Identifiers: Orphanet 655, MedGen C0687120, MONDO:0019005, HP:0000090.

Submission:

Labcorp Genetics (formerly Invitae), Labcorp
Classification: Uncertain significance for Nephronophthisis. Last evaluated: 2025-02-06. Review status: criteria provided, single submitter. Criteria: Invitae Variant Classification Sherloc (09022015). Collection method: clinical testing. Allele origin: germline.
Comment: This sequence change replaces serine, which is neutral and polar, with cysteine, which is neutral and slightly polar, at codon 537 of the NPHP3 protein (p.Ser537Cys). This variant is present in population databases (rs780765489, gnomAD 0.007%). This variant has not been reported in the literature in individuals affected with NPHP3-related conditions. Invitae Evidence Modeling of protein sequence and biophysical properties (such as structural, functional, and spatial information, amino acid conservation, physicochemical variation, residue mobility, and thermodynamic stability) has been performed for this missense variant. However, the output from this modeling did not meet the statistical confidence thresholds required to predict the impact of this variant on NPHP3 protein function. In summary, the available evidence is currently insufficient to determine the role of this variant in disease. Therefore, it has been classified as a Variant of Uncertain Significance.

NM_153240.5(NPHP3):c.1610C>G (p.Ser537Cys)

Genes: NPHP3 (nephrocystin 3; minus strand), NPHP3-ACAD11 (NPHP3-ACAD11 readthrough (NMD candidate); minus strand). Cytogenetic location: 3q22.1.
Variant type: single nucleotide variant.
Coding change: c.1610C>G on transcript NM_153240.5 (MANE Select); coding-DNA position 1610, C replaced by G.
Protein change: p.Ser537Cys; replaces serine 537 with cysteine.
Molecular consequence: missense variant. On other transcripts: non-coding transcript variant (1).
Genome position (GRCh38, 1-based): chr3:132,701,448, G>C on the plus strand (C>G on the coding strand, the complement: NPHP3 is on the minus strand). VCF-style: chr3-132701448-G-C. GRCh37 (hg19) VCF-style: chr3-132420292-G-C.
Other names: short protein forms S537C.
Identifiers: ClinVar variation 4747878 (VCV004747878.1).
Genomic context (GRCh38, chr3:132,701,448, plus strand): 5'-TTCAAACAATGACAACAATAATTTAATTGCACTGCATCATACCACTTTGATAAAAGAAGA[G>C]ACTTCCCAGAACCTGGTCCTCCAGACACGAGAAGAGGTGGAATCGGGGCTGGTGCTGCCA-3'
Protein context (NP_694972.3, residues 527-547): LVSGGPGSGK[Ser537Cys]LLLSKWIQLQ